The following is an entry in ClinVar:

ClinVar aggregate classification (germline): Likely benign. Review status: criteria provided, multiple submitters, no conflicts (2 of 4 stars). 2 submissions from 2 submitters: Likely benign (2). Last evaluated 2024-11-01.

Conditions:
Epileptic encephalopathy. Identifiers: MedGen C0543888, HP:0200134.

Allele frequency attached by ClinVar (database versions not stated): gnomAD exomes below 0.00001; gnomAD 0.00001.
gnomAD v4.1: 2 of 1,613,942 alleles (0.00012%); highest among the groups gnomAD compares: South Asian, 0.0022%; no homozygotes.

Submissions (2):

CeGaT Center for Human Genetics Tuebingen
Classification: Likely benign. Last evaluated: 2024-11-01. Review status: criteria provided, single submitter. Criteria: CeGaT Center For Human Genetics Tuebingen Variant Classification Criteria Version 2. Collection method: clinical testing. Allele origin: germline. Affected: yes. Observed: 1 variant allele.
Comment: GABBR2: BP4, BP7

Labcorp Genetics (formerly Invitae), Labcorp
Classification: Likely benign for Epileptic encephalopathy. Last evaluated: 2022-11-03. Review status: criteria provided, single submitter. Criteria: Invitae Variant Classification Sherloc (09022015). Collection method: clinical testing. Allele origin: germline.

NM_005458.8(GABBR2):c.921G>A (p.Leu307=)

Gene: GABBR2 (gamma-aminobutyric acid type B receptor subunit 2; minus strand). Cytogenetic location: 9q22.33.
Variant type: single nucleotide variant.
Coding change: c.921G>A on transcript NM_005458.8 (MANE Select); coding-DNA position 921, G replaced by A.
Protein change: p.Leu307=; no amino-acid change (leucine 307 retained).
Molecular consequence: synonymous variant.
Genome position (GRCh38, 1-based): chr9:98,473,224, C>T on the plus strand (G>A on the coding strand, the complement: GABBR2 is on the minus strand). VCF-style: chr9-98473224-C-T. GRCh37 (hg19) VCF-style: chr9-101235506-C-T.
Identifiers: ClinVar variation 1553103 (VCV001553103.22), dbSNP rs2131630838, ClinGen allele CA466526724.